The following is an entry in ClinVar:

ClinVar aggregate classification (germline): Uncertain significance. Review status: criteria provided, multiple submitters, no conflicts (2 of 4 stars). 2 submissions from 2 submitters: Uncertain significance (2). Last evaluated 2026-01-25.

Conditions:
Left ventricular noncompaction 8 (LVNC8). Identifiers: Orphanet 154, Orphanet 54260, MedGen C3809288, MONDO:0014152, OMIM 615373.

Allele frequency attached by ClinVar (database versions not stated): gnomAD exomes below 0.00001 and 0.00002; gnomAD 0.00001; ExAC 0.00002; TOPMed 0.00004.
gnomAD v4.1: 11 of 1,614,016 alleles (0.00068%); highest among the groups gnomAD compares: African/African-American, 0.004%; no homozygotes.

Submissions (2):

Labcorp Genetics (formerly Invitae), Labcorp
Classification: Uncertain significance for Left ventricular noncompaction 8. Last evaluated: 2026-01-25. Review status: criteria provided, single submitter. Criteria: Invitae Variant Classification Sherloc (09022015). Collection method: clinical testing. Allele origin: germline.
Comment: This sequence change replaces arginine, which is basic and polar, with glutamine, which is neutral and polar, at codon 442 of the PRDM16 protein (p.Arg442Gln). This variant is present in population databases (rs760272889, gnomAD 0.01%). This missense change has been observed in individual(s) with PRDM16-related conditions (PMID: 30847666). ClinVar contains an entry for this variant (Variation ID: 373356). An algorithm developed to predict the effect of missense changes on protein structure and function (PolyPhen-2) suggests that this variant is likely to be disruptive. In summary, the available evidence is currently insufficient to determine the role of this variant in disease. Therefore, it has been classified as a Variant of Uncertain Significance.

GeneDx
Classification: Uncertain significance. Last evaluated: 2016-11-21. Review status: criteria provided, single submitter. Criteria: GeneDx Variant Classification (06012015). Collection method: clinical testing. Allele origin: germline. Affected: yes.
Comment: A variant of uncertain significance has been identified in the PRDM16 gene. The R442Q variant has not been published as a pathogenic variant, nor has it been reported as a benign variant to our knowledge. The R442Q variant was not observed in approximately 6,500 individuals of European and African American ancestry in the NHLBI Exome Sequencing Project, indicating it is not a common benign variant in these populations. The R442Q variant is a semi-conservative amino acid substitution, which may impact secondary protein structure as these residues differ in some properties. However, this substitution occurs at a position that is not conserved across species and in silico analysis is inconsistent in its predictions as to whether or not the variant is damaging to the protein structure/function.Therefore, based on the currently available information, it is unclear whether this variant is pathogenic or rare benign.

Literature cited by the submitters: PubMed 30847666 (cited by Labcorp Genetics (formerly Invitae), Labcorp).

NM_022114.4(PRDM16):c.1325G>A (p.Arg442Gln)

Gene: PRDM16 (PR/SET domain 16; plus strand). Cytogenetic location: 1p36.32.
Variant type: single nucleotide variant.
Coding change: c.1325G>A on transcript NM_022114.4 (MANE Select); coding-DNA position 1325, G replaced by A.
Protein change: p.Arg442Gln; replaces arginine 442 with glutamine.
Molecular consequence: missense variant.
Genome position (GRCh38, 1-based): chr1:3,411,522, G>A. VCF-style: chr1-3411522-G-A. GRCh37 (hg19) VCF-style: chr1-3328086-G-A.
Other names: c.1325G>A, p.Arg442Gln (NM_199454.3); short protein forms R442Q.
Identifiers: ClinVar variation 373356 (VCV000373356.9), dbSNP rs760272889, ClinGen allele CA544157.
Genomic context (GRCh38, chr1:3,411,522, plus strand): 5'-AGATCAAGTGCAAGGACTGTGGCCAGATGTTCAGCACTACCTCCTCCCTCAACAAGCACC[G>A]GCGCTTCTGCGAGGGCAAGAACCATTACACGCCGGGCGGCATCTTTGCCCCGGGCCTGCC-3'
Protein context (NP_071397.3, residues 432-452): FSTTSSLNKH[Arg442Gln]RFCEGKNHYT